The following is an entry in ClinVar:

NM_005141.5(FGB):c.176T>A (p.Leu59Gln)

Gene: FGB (fibrinogen beta chain; plus strand). Cytogenetic location: 4q31.3.
Variant type: single nucleotide variant.
Coding change: c.176T>A on transcript NM_005141.5 (MANE Select); coding-DNA position 176, T replaced by A.
Protein change: p.Leu59Gln; replaces leucine 59 with glutamine.
Molecular consequence: missense variant. On other transcripts: intron variant (1).
Genome position (GRCh38, 1-based): chr4:154,565,869, T>A. VCF-style: chr4-154565869-T-A. GRCh37 (hg19) VCF-style: chr4-155487021-T-A.
Other names: c.176T>A, p.Leu59Gln (NM_001382759.1, NM_001382760.1, NM_001382761.1 and 4 more transcripts); c.165+11T>A (NM_001184741.1); short protein forms L59Q.
Identifiers: ClinVar variation 3639498 (VCV003639498.2).

ClinVar aggregate classification (germline): Uncertain significance (1 of 4 stars; one submission).

Submission:

Labcorp Genetics (formerly Invitae), Labcorp
Classification: Uncertain significance. Last evaluated: 2024-02-07. Review status: criteria provided, single submitter. Criteria: Invitae Variant Classification Sherloc (09022015). Collection method: clinical testing. Allele origin: germline.
Comment: This sequence change replaces leucine, which is neutral and non-polar, with glutamine, which is neutral and polar, at codon 59 of the FGB protein (p.Leu59Gln). This variant is not present in population databases (gnomAD no frequency). This variant has not been reported in the literature in individuals affected with FGB-related conditions. Advanced modeling of protein sequence and biophysical properties (such as structural, functional, and spatial information, amino acid conservation, physicochemical variation, residue mobility, and thermodynamic stability) performed at Invitae indicates that this missense variant is not expected to disrupt FGB protein function with a negative predictive value of 80%. In summary, the available evidence is currently insufficient to determine the role of this variant in disease. Therefore, it has been classified as a Variant of Uncertain Significance.